The following is an entry in ClinVar:

NM_001206927.2(DNAH8):c.12007+1G>T

Genes: DNAH8 (dynein axonemal heavy chain 8; plus strand), DNAH8-AS1 (DNAH8 antisense RNA 1; minus strand). Cytogenetic location: 6p21.2.
Variant type: single nucleotide variant.
Coding change: c.12007+1G>T on transcript NM_001206927.2 (MANE Select); the canonical splice donor site of the intron after coding-DNA position 12007, G replaced by T.
Molecular consequence: splice donor variant.
Genome position (GRCh38, 1-based): chr6:38,938,989, G>T. VCF-style: chr6-38938989-G-T. GRCh37 (hg19) VCF-style: chr6-38906765-G-T.
Other names: c.11356+1G>T (NM_001371.4).
Identifiers: ClinVar variation 648678 (VCV000648678.9), dbSNP rs372080325, ClinGen allele CA137597927.

ClinVar aggregate classification (germline): Likely pathogenic (1 of 4 stars; one submission).

Conditions:
Primary ciliary dyskinesia. Also called: Ciliary dyskinesia. Identifiers: Orphanet 244, MedGen C0008780, MONDO:0016575, HP:0012265.

Allele frequency attached by ClinVar (database versions not stated): gnomAD 0.00005 and 0.00007; TOPMed 0.00005; ESP Exome Variant Server 0.00008; gnomAD exomes below 0.00001.
gnomAD v4.1: 13 of 1,611,968 alleles (0.00081%); highest among the groups gnomAD compares: African/African-American, 0.017%; no homozygotes.

Submission:

Labcorp Genetics (formerly Invitae), Labcorp
Classification: Likely pathogenic for Primary ciliary dyskinesia. Last evaluated: 2023-02-27. Review status: criteria provided, single submitter. Criteria: Invitae Variant Classification Sherloc (09022015). Collection method: clinical testing. Allele origin: germline.
Comment: In summary, the currently available evidence indicates that the variant is pathogenic, but additional data are needed to prove that conclusively. Therefore, this variant has been classified as Likely Pathogenic. Algorithms developed to predict the effect of sequence changes on RNA splicing suggest that this variant may disrupt the consensus splice site. ClinVar contains an entry for this variant (Variation ID: 648678). This variant has not been reported in the literature in individuals affected with DNAH8-related conditions. This variant is present in population databases (rs372080325, gnomAD 0.03%). This sequence change affects a donor splice site in intron 79 of the DNAH8 gene. It is expected to disrupt RNA splicing. Variants that disrupt the donor or acceptor splice site typically lead to a loss of protein function (PMID: 16199547), and loss-of-function variants in DNAH8 are known to be pathogenic (PMID: 24307375, 32619401, 32681648).

Literature cited by the submitters: PubMed 16199547; PubMed 24307375; PubMed 32619401; PubMed 32681648.